The following is an entry in ClinVar:

ClinVar aggregate classification (germline): Pathogenic/Likely pathogenic. Review status: no assertion criteria provided (0 of 4 stars). 2 submissions from 2 submitters: Pathogenic (1); Likely pathogenic (1). Last evaluated 2018-09-10.

Conditions:
Hearing loss, autosomal recessive. Also called: Nonsyndromic Hearing Loss, Recessive; Deafness, autosomal recessive; Rare autosomal recessive non-syndromic sensorineural deafness type DFNB; Autosomal recessive nonsyndromic deafness. Identifiers: Orphanet 90635, Orphanet 90636, MedGen C1846647, MONDO:0019588, OMIM 607197.
Deafness. Identifiers: MedGen C0011053.

Allele frequency attached by ClinVar (database versions not stated): gnomAD below 0.00001 and 0.00001; ExAC 0.00001; gnomAD exomes 0.00001.

Submissions (2):

Center for Statistical Genetics, Columbia University
Classification: Pathogenic for Deafness. Last evaluated: 2018-09-10. Review status: no assertion criteria provided. Collection method: research. Allele origin: inherited. Affected: yes.
Comment: Autosomal recessive

University of Washington Center for Mendelian Genomics, University of Washington
Classification: Likely pathogenic for non-syndromic autosomal recessive hearing loss. Review status: no assertion criteria provided. Collection method: research. Allele origin: inherited. Affected: yes.

Literature cited by the submitters: PubMed 30303587 (cited by University of Washington Center for Mendelian Genomics, University of Washington).

NM_013296.5(GPSM2):c.138C>A (p.Phe46Leu)

Gene: GPSM2 (G protein signaling modulator 2; plus strand). Cytogenetic location: 1p13.3.
Variant type: single nucleotide variant.
Coding change: c.138C>A on transcript NM_013296.5 (MANE Select); coding-DNA position 138, C replaced by A.
Protein change: p.Phe46Leu; replaces phenylalanine 46 with leucine.
Molecular consequence: missense variant.
Genome position (GRCh38, 1-based): chr1:108,896,945, C>A. VCF-style: chr1-108896945-C-A. GRCh37 (hg19) VCF-style: chr1-109439567-C-A.
Other names: c.138C>A, p.Phe46Leu (NM_001321038.2, NM_001321039.3); short protein forms F46L.
Identifiers: ClinVar variation 560890 (VCV000560890.2), dbSNP rs755804651, ClinGen allele CA982734.